The following is an entry in ClinVar:

ClinVar aggregate classification (germline): Uncertain significance. Review status: criteria provided, multiple submitters, no conflicts (2 of 4 stars). 2 submissions from 2 submitters: Uncertain significance (2). Last evaluated 2025-11-13.

Conditions:
Inborn genetic diseases. Identifiers: MedGen C0950123, MeSH D030342.

Allele frequency attached by ClinVar (database versions not stated): gnomAD exomes 0.00002; ExAC 0.00003; TOPMed 0.00003; gnomAD 0.00005.
gnomAD v4.1: 38 of 1,613,794 alleles (0.0024%); highest among the groups gnomAD compares: Non-Finnish European, 0.0031%; no homozygotes.

Submissions (2):

Labcorp Genetics (formerly Invitae), Labcorp
Classification: Uncertain significance. Last evaluated: 2025-11-13. Review status: criteria provided, single submitter. Criteria: Invitae Variant Classification Sherloc (09022015). Collection method: clinical testing. Allele origin: germline.
Comment: This sequence change replaces aspartic acid, which is acidic and polar, with histidine, which is basic and polar, at codon 1501 of the MPDZ protein (p.Asp1501His). This variant is present in population databases (rs529002777, gnomAD 0.008%). This variant has not been reported in the literature in individuals affected with MPDZ-related conditions. ClinVar contains an entry for this variant (Variation ID: 2549124). An algorithm developed to predict the effect of missense changes on protein structure and function (PolyPhen-2) suggests that this variant is likely to be disruptive. In summary, the available evidence is currently insufficient to determine the role of this variant in disease. Therefore, it has been classified as a Variant of Uncertain Significance.

Ambry Genetics
Classification: Uncertain significance for Inborn genetic diseases. Last evaluated: 2023-05-18. Review status: criteria provided, single submitter. Criteria: Ambry Variant Classification Scheme 2023. Collection method: clinical testing. Allele origin: germline.

NM_001378778.1(MPDZ):c.4501G>C (p.Asp1501His)

Gene: MPDZ (multiple PDZ domain crumbs cell polarity complex component; minus strand). Cytogenetic location: 9p23.
Variant type: single nucleotide variant.
Coding change: c.4501G>C on transcript NM_001378778.1 (MANE Select); coding-DNA position 4501, G replaced by C.
Protein change: p.Asp1501His; replaces aspartic acid 1501 with histidine.
Molecular consequence: missense variant.
Genome position (GRCh38, 1-based): chr9:13,126,736, C>G on the plus strand (G>C on the coding strand, the complement: MPDZ is on the minus strand). VCF-style: chr9-13126736-C-G. GRCh37 (hg19) VCF-style: chr9-13126735-C-G.
Other names: c.4402G>C, p.Asp1468His (NM_001261406.2, NM_001261407.2, NM_001375416.1 and 3 more transcripts); c.4501G>C, p.Asp1501His (NM_001330637.2, NM_003829.5); c.4600G>C, p.Asp1534His (NM_001375413.1); c.4291G>C, p.Asp1431His (NM_001375420.1, NM_001375421.1, NM_001375422.1 and 4 more transcripts); c.4093G>C, p.Asp1365His (NM_001375427.1); short protein forms D1431H, D1534H, D1365H, D1501H, D1468H.
Identifiers: ClinVar variation 2549124 (VCV002549124.3), dbSNP rs529002777, ClinGen allele CA4986672.